The following is an entry in ClinVar:

ClinVar aggregate classification (germline): Conflicting classifications of pathogenicity. Review status: criteria provided, conflicting classifications (1 of 4 stars). 3 submissions from 3 submitters: Uncertain significance (2); Likely benign (1). Last evaluated 2025-05-15.

Conditions:
Hereditary cancer-predisposing syndrome. Also called: Tumor predisposition; Hereditary Cancer Syndrome; Neoplastic Syndromes, Hereditary; Hereditary neoplastic syndrome. Identifiers: Orphanet 140162, MedGen C0027672, MeSH D009386, MONDO:0015356.
Hereditary breast ovarian cancer syndrome. Also called: Hereditary breast and ovarian cancer; Breast and ovarian cancer; Hereditary breast and/or ovarian cancer syndrome; Hereditary breast and ovarian cancer syndrome; BRCA1- and BRCA2-Associated Hereditary Breast and Ovarian Cancer; Hereditary breast and ovarian cancer syndrome (HBOC). Identifiers: Orphanet 145, MedGen C0677776, MeSH D061325, MONDO:0003582. Disease mechanism: loss of function.
Familial cancer of breast. Also called: BREAST CANCER, FAMILIAL; Hereditary breast cancer; hereditary breast carcinoma. Identifiers: Orphanet 227535, MedGen C0346153, MONDO:0016419, OMIM 114480. Disease mechanism: loss of function.

Submissions (3):

Ambry Genetics
Classification: Likely benign for Hereditary cancer-predisposing syndrome. Last evaluated: 2025-05-15. Review status: criteria provided, single submitter. Criteria: Ambry Variant Classification Scheme 2023. Collection method: clinical testing. Allele origin: germline.

Baylor Genetics
Classification: Uncertain significance for Familial cancer of breast. Last evaluated: 2024-02-27. Review status: criteria provided, single submitter. Criteria: ACMG Guidelines, 2015. Collection method: clinical testing. Allele origin: unknown.

Labcorp Genetics (formerly Invitae), Labcorp
Classification: Uncertain significance for Hereditary breast ovarian cancer syndrome. Last evaluated: 2021-03-13. Review status: criteria provided, single submitter. Criteria: Invitae Variant Classification Sherloc (09022015). Collection method: clinical testing. Allele origin: germline.
Comment: In summary, the available evidence is currently insufficient to determine the role of this variant in disease. Therefore, it has been classified as a Variant of Uncertain Significance. Algorithms developed to predict the effect of missense changes on protein structure and function output the following: SIFT: "Tolerated"; PolyPhen-2: "Benign"; Align-GVGD: "Class C0". The aspartic acid amino acid residue is found in multiple mammalian species, suggesting that this missense change does not adversely affect protein function. These predictions have not been confirmed by published functional studies and their clinical significance is uncertain. This variant has not been reported in the literature in individuals with BRCA2-related conditions. This variant is not present in population databases (ExAC no frequency). This sequence change replaces glutamic acid with aspartic acid at codon 3053 of the BRCA2 protein (p.Glu3053Asp). The glutamic acid residue is moderately conserved and there is a small physicochemical difference between glutamic acid and aspartic acid.

NM_000059.4(BRCA2):c.9159G>C (p.Glu3053Asp)

Gene: BRCA2 (BRCA2 DNA repair associated; plus strand). Cytogenetic location: 13q13.1.
Variant type: single nucleotide variant.
Coding change: c.9159G>C on transcript NM_000059.4 (MANE Select); coding-DNA position 9159, G replaced by C.
Protein change: p.Glu3053Asp; replaces glutamic acid 3053 with aspartic acid.
Molecular consequence: missense variant.
Genome position (GRCh38, 1-based): chr13:32,380,048, G>C. VCF-style: chr13-32380048-G-C. GRCh37 (hg19) VCF-style: chr13-32954185-G-C.
Other names: short protein forms E3053D.
Identifiers: ClinVar variation 823055 (VCV000823055.18), dbSNP rs1289660997, ClinGen allele CA387757953.